The following is an entry in ClinVar:

ClinVar aggregate classification (germline): Conflicting classifications of pathogenicity. Review status: criteria provided, conflicting classifications (1 of 4 stars). 4 submissions from 4 submitters: Uncertain significance (1); Likely benign (3). Last evaluated 2024-01-08.

Conditions:
Hereditary cancer-predisposing syndrome. Also called: Hereditary neoplastic syndrome; Hereditary Cancer Syndrome; Neoplastic Syndromes, Hereditary; Tumor predisposition. Identifiers: Orphanet 140162, MedGen C0027672, MeSH D009386, MONDO:0015356.
Hereditary breast ovarian cancer syndrome. Also called: Hereditary breast and ovarian cancer syndrome; Breast and ovarian cancer; BRCA1- and BRCA2-Associated Hereditary Breast and Ovarian Cancer; Hereditary breast and ovarian cancer; Hereditary breast and ovarian cancer syndrome (HBOC); Hereditary breast and/or ovarian cancer syndrome. Identifiers: Orphanet 145, MedGen C0677776, MeSH D061325, MONDO:0003582. Disease mechanism: loss of function.

Allele frequency attached by ClinVar (database versions not stated): gnomAD exomes below 0.00001; gnomAD 0.00005 and 0.00006; TOPMed 0.00011; 1000 Genomes Project 30x 0.00016; 1000 Genomes Project 0.00020.
gnomAD v4.1: 20 of 1,612,244 alleles (0.0012%); highest among the groups gnomAD compares: Admixed American, 0.018%; no homozygotes.

Submissions (4):

Blueprint Genetics
Classification: Likely benign. Last evaluated: 2024-01-08. Review status: criteria provided, single submitter. Criteria: ACMG Guidelines, 2015. Collection method: clinical testing. Allele origin: germline.

Labcorp Genetics (formerly Invitae), Labcorp
Classification: Likely benign for Hereditary breast ovarian cancer syndrome. Last evaluated: 2022-06-10. Review status: criteria provided, single submitter. Criteria: Invitae Variant Classification Sherloc (09022015). Collection method: clinical testing. Allele origin: germline.

Sema4
Classification: Uncertain significance for Hereditary cancer-predisposing syndrome. Last evaluated: 2022-03-13. Review status: criteria provided, single submitter. Criteria: Sema4 Curation Guidelines. Collection method: curation. Allele origin: germline.
Comment: The BRCA2 c.9502-40T>A variant has been reported in heterozygosity in at least two individuals with a personal and/or family history of breast and ovarian cancer (PMID: 29161300, 30400234). It was observed in 4/35390 chromosomes of the Latino subpopulation in the large and broad cohorts of the Genome Aggregation Database (PMID: 32461654). The variant has been reported in ClinVar (Variation ID 1208425). The evidence is insufficient to meet ACMG/AMP criteria for classifying the variant as benign or pathogenic. Thus, the clinical significance of this variant is currently uncertain.

GeneDx
Classification: Likely benign. Last evaluated: 2020-09-14. Review status: criteria provided, single submitter. Criteria: GeneDx Variant Classification Process June 2021. Collection method: clinical testing. Allele origin: germline. Affected: yes.
Comment: This variant is associated with the following publications: (PMID: 29161300)

Literature cited by the submitters: PubMed 29161300 (cited by Sema4); PubMed 30400234 (cited by Sema4).

NM_000059.4(BRCA2):c.9502-40T>A

Gene: BRCA2 (BRCA2 DNA repair associated; plus strand). Cytogenetic location: 13q13.1.
Variant type: single nucleotide variant.
Coding change: c.9502-40T>A on transcript NM_000059.4 (MANE Select); 40 bases into the intron before coding-DNA position 9502, T replaced by A.
Molecular consequence: intron variant.
Genome position (GRCh38, 1-based): chr13:32,396,858, T>A. VCF-style: chr13-32396858-T-A. GRCh37 (hg19) VCF-style: chr13-32970995-T-A.
Identifiers: ClinVar variation 1208425 (VCV001208425.10), dbSNP rs563731281, ClinGen allele CA247507876.